The following is an entry in ClinVar:

NM_006922.4(SCN3A):c.3116T>A (p.Ile1039Asn)

Gene: SCN3A (sodium voltage-gated channel alpha subunit 3; minus strand). Cytogenetic location: 2q24.3.
Variant type: single nucleotide variant.
Coding change: c.3116T>A on transcript NM_006922.4 (MANE Select); coding-DNA position 3116, T replaced by A.
Protein change: p.Ile1039Asn; replaces isoleucine 1039 with asparagine.
Molecular consequence: missense variant.
Genome position (GRCh38, 1-based): chr2:165,127,908, A>T on the plus strand (T>A on the coding strand, the complement: SCN3A is on the minus strand). VCF-style: chr2-165127908-A-T. GRCh37 (hg19) VCF-style: chr2-165984418-A-T.
Other names: c.3116T>A (NM_006922.3); c.2969T>A, p.Ile990Asn (NM_001081676.2, NM_001081677.2); short protein forms I1039N, I990N.
Identifiers: ClinVar variation 1000787 (VCV001000787.9), dbSNP rs1687089087, ClinGen allele CA349041077.
Genomic context (GRCh38, chr2:165,127,908, plus strand): 5'-TTGCTTATTTCAATTCCAGTATTATTGGACATGCAGCTGTCTATCTTATTGCCTTCATGG[A>T]TTTCTATAACTTTTGGCTTTCTAAAAAAGGCTTTTTGGAAACACTCCCGCATCTTATTTT-3'
Protein context (NP_008853.3, residues 1029-1049): AFFRKPKVIE[Ile1039Asn]HEGNKIDSCM

ClinVar aggregate classification (germline): Uncertain significance. Review status: criteria provided, multiple submitters, no conflicts (2 of 4 stars). 2 submissions from 2 submitters: Uncertain significance (2). Last evaluated 2023-12-05.

Submissions (2):

GeneDx
Classification: Uncertain significance. Last evaluated: 2023-12-05. Review status: criteria provided, single submitter. Criteria: GeneDx Variant Classification Process June 2021. Collection method: clinical testing. Allele origin: germline. Affected: yes.
Comment: Not observed at significant frequency in large population cohorts (gnomAD); In silico analysis supports that this missense variant does not alter protein structure/function; Has not been previously published as pathogenic or benign to our knowledge

Labcorp Genetics (formerly Invitae), Labcorp
Classification: Uncertain significance. Last evaluated: 2021-01-02. Review status: criteria provided, single submitter. Criteria: Invitae Variant Classification Sherloc (09022015). Collection method: clinical testing. Allele origin: germline.
Comment: In summary, the available evidence is currently insufficient to determine the role of this variant in disease. Therefore, it has been classified as a Variant of Uncertain Significance. Algorithms developed to predict the effect of missense changes on protein structure and function are either unavailable or do not agree on the potential impact of this missense change (SIFT: "Deleterious"; PolyPhen-2: "Benign"; Align-GVGD: "Class C0"). This variant has not been reported in the literature in individuals with SCN3A-related conditions. This variant is not present in population databases (ExAC no frequency). This sequence change replaces isoleucine with asparagine at codon 1039 of the SCN3A protein (p.Ile1039Asn). The isoleucine residue is moderately conserved and there is a large physicochemical difference between isoleucine and asparagine.